The following is an entry in ClinVar:

NM_001079872.2(CUL4B):c.1182A>G (p.Glu394=)

Gene: CUL4B (cullin 4B; minus strand). Cytogenetic location: Xq24.
Variant type: single nucleotide variant.
Coding change: c.1182A>G on transcript NM_001079872.2 (MANE Select); coding-DNA position 1182, A replaced by G.
Protein change: p.Glu394=; no amino-acid change (glutamic acid 394 retained).
Molecular consequence: synonymous variant.
Genome position (GRCh38, 1-based): chrX:120,543,801, T>C on the plus strand (A>G on the coding strand, the complement: CUL4B is on the minus strand). VCF-style: chrX-120543801-T-C. GRCh37 (hg19) VCF-style: chrX-119677656-T-C.
Other names: c.1197A>G, p.Glu399= (NM_001330624.2); c.648A>G, p.Glu216= (NM_001369145.1); c.1236A>G, p.Glu412= (NM_003588.4).
Identifiers: ClinVar variation 3048591 (VCV003048591.2), dbSNP rs1176785264, ClinGen allele CA518226164.
Genomic context (GRCh38, chrX:120,543,801, plus strand): 5'-TAAGTAAGTAATAAGTCTGTCTGCTTCTTCTTCTAGACGTTTGTTAACATGATGTAGATA[T>C]TCAGGAACCTACAAAGATAGTTTTTTACATTATTGTTTTCCTCCCCATAAATCATTCAGA-3'
Protein context (NP_001073341.1, residues 384-404): QKLMQEREVP[Glu394=]YLHHVNKRLE

ClinVar aggregate classification (germline): Likely benign (0 of 4 stars; one submission).

Conditions:
CUL4B-related disorder. Also called: CUL4B-related condition.

Allele frequency attached by ClinVar (database versions not stated): gnomAD 0.00002; TOPMed 0.00002.
gnomAD v4.1: 7 of 1,170,148 alleles (0.0006%); highest among the groups gnomAD compares: African/African-American, 0.0071%; no homozygotes.

Submission:

PreventionGenetics, part of Exact Sciences
Classification: Likely benign for CUL4B-related condition. Last evaluated: 2023-04-13. Review status: no assertion criteria provided. Collection method: clinical testing. Allele origin: germline.
Comment: This variant is classified as likely benign based on ACMG/AMP sequence variant interpretation guidelines (Richards et al. 2015 PMID: 25741868, with internal and published modifications).